The following is an entry in ClinVar:

NM_001243133.2(NLRP3):c.2027C>G (p.Ser676Ter)

Gene: NLRP3 (NLR family pyrin domain containing 3; plus strand). Cytogenetic location: 1q44.
Variant type: single nucleotide variant.
Coding change: c.2027C>G on transcript NM_001243133.2 (MANE Select); coding-DNA position 2027, C replaced by G.
Protein change: p.Ser676Ter; replaces serine 676 with a stop codon.
Molecular consequence: nonsense.
Genome position (GRCh38, 1-based): chr1:247,425,476, C>G. VCF-style: chr1-247425476-C-G. GRCh37 (hg19) VCF-style: chr1-247588778-C-G.
Other names: c.2027C>G, p.Ser676Ter (NM_001079821.3, NM_001127461.3, NM_001127462.3 and 1 more transcripts); c.2033C>G, p.Ser678Ter (NM_004895.5); short protein forms S676*, S678*.
Identifiers: ClinVar variation 4861081 (VCV004861081.1).

ClinVar aggregate classification (germline): Uncertain significance (1 of 4 stars; one submission).

Conditions:
Inborn genetic diseases. Identifiers: MedGen C0950123, MeSH D030342.

gnomAD v4.1: 2 of 1,614,186 alleles (0.00012%); highest among the groups gnomAD compares: Non-Finnish European, 0.00017%; no homozygotes.

Submission:

Ambry Genetics
Classification: Uncertain significance for Inborn genetic diseases. Last evaluated: 2026-06-11. Review status: criteria provided, single submitter. Criteria: Ambry Variant Classification Scheme 2023. Collection method: clinical testing. Allele origin: germline.
Comment: The c.2033C>G (p.S678*) alteration, located in exon 3 (coding exon 3) of the NLRP3 gene, consists of a C to G substitution at nucleotide position 2033. This changes the amino acid from a serine (S) to a stop codon at amino acid position 678. Premature stop codons are typically deleterious in nature (Richards, 2015). This variant was not reported in population-based cohorts in the Genome Aggregation Database (gnomAD). Based on insufficient or conflicting evidence, the clinical significance of this alteration remains unclear.

Literature cited by the submitters: PubMed 28106320.